The following is an entry in ClinVar:

NM_001005242.3(PKP2):c.938G>A (p.Ser313Asn)

Gene: PKP2 (plakophilin 2; minus strand). Cytogenetic location: 12p11.21.
Variant type: single nucleotide variant.
Coding change: c.938G>A on transcript NM_001005242.3 (MANE Select); coding-DNA position 938, G replaced by A.
Protein change: p.Ser313Asn; replaces serine 313 with asparagine.
Molecular consequence: missense variant.
Genome position (GRCh38, 1-based): chr12:32,877,942, C>T on the plus strand (G>A on the coding strand, the complement: PKP2 is on the minus strand). VCF-style: chr12-32877942-C-T. GRCh37 (hg19) VCF-style: chr12-33030876-C-T.
Other names: c.938G>A, p.Ser313Asn (NM_001407155.1, NM_001407156.1, NM_001407157.1 and 2 more transcripts); c.611G>A, p.Ser204Asn (NM_001407158.1, NM_001407159.1, NM_001407160.1 and 1 more transcripts); short protein forms S204N, S313N.
Identifiers: ClinVar variation 4528099 (VCV004528099.1).

ClinVar aggregate classification (germline): Uncertain significance (1 of 4 stars; one submission).

gnomAD v4.1: 6 of 1,614,190 alleles (0.00037%); highest among the groups gnomAD compares: Admixed American, 0.01%; no homozygotes.

Submission:

GeneDx
Classification: Uncertain significance. Last evaluated: 2025-05-06. Review status: criteria provided, single submitter. Criteria: GeneDx Variant Classification Process June 2021. Collection method: clinical testing. Allele origin: germline. Affected: yes.
Comment: In silico analysis suggests that this missense variant does not alter protein structure/function; Has not been previously published as pathogenic or benign to our knowledge